The following is an entry in ClinVar:

ClinVar aggregate classification (germline): Uncertain significance. Review status: criteria provided, multiple submitters, no conflicts (2 of 4 stars). 4 submissions from 4 submitters: Uncertain significance (4). Last evaluated 2026-01-05.

Conditions:
Inborn genetic diseases. Identifiers: MedGen C0950123, MeSH D030342.
Lymphoproliferative syndrome 1 (LPFS1). Identifiers: Orphanet 238505, Orphanet 538963, MedGen C3552634, MONDO:0013081, OMIM 613011.

Allele frequency attached by ClinVar (database versions not stated): gnomAD 0.00015 and 0.00016; 1000 Genomes Project 0.00020; 1000 Genomes Project 30x 0.00031; ESP Exome Variant Server 0.00015; ExAC 0.00008; TOPMed 0.00026.
gnomAD v4.1: 127 of 1,613,948 alleles (0.0079%); highest among the groups gnomAD compares: Middle Eastern, 0.099%; no homozygotes.

Submissions (4):

Labcorp Genetics (formerly Invitae), Labcorp
Classification: Uncertain significance for Lymphoproliferative syndrome 1. Last evaluated: 2026-01-05. Review status: criteria provided, single submitter. Criteria: Invitae Variant Classification Sherloc (09022015). Collection method: clinical testing. Allele origin: germline.
Comment: This sequence change replaces arginine, which is basic and polar, with tryptophan, which is neutral and slightly polar, at codon 451 of the ITK protein (p.Arg451Trp). This variant is present in population databases (rs200331133, gnomAD 0.04%). This variant has not been reported in the literature in individuals affected with ITK-related conditions. ClinVar contains an entry for this variant (Variation ID: 575120). Invitae Evidence Modeling of protein sequence and biophysical properties (such as structural, functional, and spatial information, amino acid conservation, physicochemical variation, residue mobility, and thermodynamic stability) has been performed for this missense variant. However, the output from this modeling did not meet the statistical confidence thresholds required to predict the impact of this variant on ITK protein function. In summary, the available evidence is currently insufficient to determine the role of this variant in disease. Therefore, it has been classified as a Variant of Uncertain Significance.

Genetic Services Laboratory, University of Chicago
Classification: Uncertain significance. Last evaluated: 2025-11-24. Review status: criteria provided, single submitter. Criteria: ACMG Guidelines, 2015. Collection method: clinical testing. Allele origin: germline.
Comment: DNA sequence analysis of the ITK gene demonstrated a sequence change, c.1351C>T, in exon 13 that results in an amino acid change, p.Arg451Trp. This sequence change has been described in the gnomAD database with a frequency of 0.037% in the Latino/Admixed American subpopulation (dbSNP rs200331133). The p.Arg451Trp change affects a moderately conserved amino acid residue located in a domain of the ITK protein that is known to be functional. In-silico pathogenicity prediction tools (SIFT, PolyPhen2, Align GVGD, REVEL) provide contradictory results for the p.Arg451Trp substitution. This sequence change does not appear to have been previously described in individuals with ITK-related disorders. Due to insufficient evidence and the lack of functional studies, the clinical significance of the p.Arg451Trp change remains unknown at this time.

Blueprint Genetics
Classification: Uncertain significance. Last evaluated: 2024-10-22. Review status: criteria provided, single submitter. Criteria: ACMG Guidelines, 2015. Collection method: clinical testing. Allele origin: germline.

Ambry Genetics
Classification: Uncertain significance for Inborn genetic diseases. Last evaluated: 2021-09-17. Review status: criteria provided, single submitter. Criteria: Ambry Variant Classification Scheme 2023. Collection method: clinical testing. Allele origin: germline.

NM_005546.4(ITK):c.1351C>T (p.Arg451Trp)

Gene: ITK (IL2 inducible T cell kinase; plus strand). Cytogenetic location: 5q33.3.
Variant type: single nucleotide variant.
Coding change: c.1351C>T on transcript NM_005546.4 (MANE Select); coding-DNA position 1351, C replaced by T.
Protein change: p.Arg451Trp; replaces arginine 451 with tryptophan.
Molecular consequence: missense variant.
Genome position (GRCh38, 1-based): chr5:157,244,380, C>T. VCF-style: chr5-157244380-C-T. GRCh37 (hg19) VCF-style: chr5-156671390-C-T.
Other names: short protein forms R451W.
Identifiers: ClinVar variation 575120 (VCV000575120.16), dbSNP rs200331133, ClinGen allele CA3533063.
Genomic context (GRCh38, chr5:157,244,380, plus strand): 5'-ATCTGCCTGGTGTTTGAGTTCATGGAGCACGGCTGCCTGTCAGATTATCTACGCACCCAG[C>T]GGGGACTTTTTGCTGCAGAGACCCTGCTGGGCATGTGTCTGGATGTGTGTGAGGGCATGG-3'
Protein context (NP_005537.3, residues 441-461): GCLSDYLRTQ[Arg451Trp]GLFAAETLLG